The following is an entry in ClinVar:

NM_000384.3(APOB):c.8498A>C (p.Lys2833Thr)

Gene: APOB (apolipoprotein B; minus strand). Cytogenetic location: 2p24.1.
Variant type: single nucleotide variant.
Coding change: c.8498A>C on transcript NM_000384.3 (MANE Select); coding-DNA position 8498, A replaced by C.
Protein change: p.Lys2833Thr; replaces lysine 2833 with threonine.
Molecular consequence: missense variant.
Genome position (GRCh38, 1-based): chr2:21,008,370, T>G on the plus strand (A>C on the coding strand, the complement: APOB is on the minus strand). VCF-style: chr2-21008370-T-G. GRCh37 (hg19) VCF-style: chr2-21231242-T-G.
Other names: short protein forms K2833T.
Identifiers: ClinVar variation 1763586 (VCV001763586.2), dbSNP rs765143566, ClinGen allele CA345994002.

ClinVar aggregate classification (germline): Uncertain significance (1 of 4 stars; one submission).

Conditions:
Cardiovascular phenotype. Identifiers: MedGen CN230736.

Submission:

Ambry Genetics
Classification: Uncertain significance for Cardiovascular phenotype. Last evaluated: 2022-03-25. Review status: criteria provided, single submitter. Criteria: Ambry Variant Classification Scheme 2023. Collection method: clinical testing. Allele origin: germline.
Comment: The p.K2833T variant (also known as c.8498A>C), located in coding exon 26 of the APOB gene, results from an A to C substitution at nucleotide position 8498. The lysine at codon 2833 is replaced by threonine, an amino acid with similar properties. This amino acid position is conserved. In addition, this alteration is predicted to be tolerated by in silico analysis. Since supporting evidence is limited at this time, the clinical significance of this alteration remains unclear.